The following is an entry in ClinVar:

ClinVar aggregate classification (germline): Uncertain significance (1 of 4 stars; one submission).

gnomAD v4.1: 16 of 1,599,814 alleles (0.001%); highest among the groups gnomAD compares: Non-Finnish European, 0.0013%; no homozygotes.

Submission:

Labcorp Genetics (formerly Invitae), Labcorp
Classification: Uncertain significance. Last evaluated: 2026-01-27. Review status: criteria provided, single submitter. Criteria: Invitae Variant Classification Sherloc (09022015). Collection method: clinical testing. Allele origin: germline.
Comment: This sequence change replaces arginine, which is basic and polar, with tryptophan, which is neutral and slightly polar, at codon 477 of the TCF3 protein (p.Arg477Trp). This variant is present in population databases (rs759729787, gnomAD 0.002%). This variant has not been reported in the literature in individuals affected with TCF3-related conditions. Invitae Evidence Modeling of protein sequence and biophysical properties (such as structural, functional, and spatial information, amino acid conservation, physicochemical variation, residue mobility, and thermodynamic stability) indicates that this missense variant is not expected to disrupt TCF3 protein function with a negative predictive value of 80%. In summary, the available evidence is currently insufficient to determine the role of this variant in disease. Therefore, it has been classified as a Variant of Uncertain Significance.

NM_003200.5(TCF3):c.1429C>T (p.Arg477Trp)

Gene: TCF3 (transcription factor 3; minus strand). Cytogenetic location: 19p13.3.
Variant type: single nucleotide variant.
Coding change: c.1429C>T on transcript NM_003200.5 (MANE Select); coding-DNA position 1429, C replaced by T.
Protein change: p.Arg477Trp; replaces arginine 477 with tryptophan.
Molecular consequence: missense variant.
Genome position (GRCh38, 1-based): chr19:1,619,132, G>A on the plus strand (C>T on the coding strand, the complement: TCF3 is on the minus strand). VCF-style: chr19-1619132-G-A. GRCh37 (hg19) VCF-style: chr19-1619131-G-A.
Other names: c.1429C>T, p.Arg477Trp (NM_001136139.4, NM_001351779.2); c.1426C>T, p.Arg476Trp (NM_001351778.2); short protein forms R477W, R476W.
Identifiers: ClinVar variation 4750706 (VCV004750706.1).
Genomic context (GRCh38, chr19:1,619,132, plus strand): 5'-GGAACCAGGAGTCGGACAGTCCCAAGCTCAAGGGCTTACCACTGTAGGAGTCGGGAGGCC[G>A]AGACAGGTCAGGGAGGGTGCCTGGCTGGCTGGGGAGGGCCGCGTGGTTGTGCATGAGGCT-3'
Protein context (NP_003191.1, residues 467-487): SQPGTLPDLS[Arg477Trp]PPDSYSGLGR